The following is an entry in ClinVar:

NM_001042472.3(ABHD12):c.527G>A (p.Gly176Glu)

Gene: ABHD12 (abhydrolase domain containing 12, lysophospholipase; minus strand). Cytogenetic location: 20p11.21.
Variant type: single nucleotide variant.
Coding change: c.527G>A on transcript NM_001042472.3 (MANE Select); coding-DNA position 527, G replaced by A.
Protein change: p.Gly176Glu; replaces glycine 176 with glutamic acid.
Molecular consequence: missense variant.
Genome position (GRCh38, 1-based): chr20:25,320,214, C>T on the plus strand (G>A on the coding strand, the complement: ABHD12 is on the minus strand). VCF-style: chr20-25320214-C-T. GRCh37 (hg19) VCF-style: chr20-25300850-C-T.
Other names: c.527G>A, p.Gly176Glu (NM_015600.5); short protein forms G176E.
Identifiers: ClinVar variation 452726 (VCV000452726.2), dbSNP rs1305643306, ClinGen allele CA408457164.

ClinVar aggregate classification (germline): Uncertain significance (1 of 4 stars; one submission).

Submission:

GeneDx
Classification: Uncertain significance. Last evaluated: 2017-10-10. Review status: criteria provided, single submitter. Criteria: GeneDx Variant Classification (06012015). Collection method: clinical testing. Allele origin: germline. Affected: yes.
Comment: The G176E variant in the ABHD12 gene has not been reported previously as a pathogenic variant, nor as a benign variant, to our knowledge. The G176E variant is not observed in large population cohorts (Lek et al., 2016). The G176E variant is a non-conservative amino acid substitution, which is likely to impact secondary protein structure as these residues differ in polarity, charge, size and/or other properties. This substitution occurs at a position that is conserved across species. In silico analysis predicts this variant is probably damaging to the protein structure/function. We interpret G176E as a variant of uncertain significance.